The following is an entry in ClinVar:

ClinVar aggregate classification (germline): Conflicting classifications of pathogenicity. Review status: criteria provided, conflicting classifications (1 of 4 stars). 5 submissions from 5 submitters: Uncertain significance (1); Benign (1); Likely benign (3). Last evaluated 2026-07-11.

Conditions:
CACNA1A-related disorder. Also called: CACNA1A-related condition.
Developmental and epileptic encephalopathy, 42 (DEE42A). Also called: Epileptic encephalopathy, early infantile, 42; DEVELOPMENTAL AND EPILEPTIC ENCEPHALOPATHY 42A; EPILEPTIC ENCEPHALOPATHY, EARLY INFANTILE, 42A. Identifiers: MedGen C4310716, MONDO:0014917, OMIM 617106.
Episodic ataxia type 2 (EA2). Also called: ATAXIA, EPISODIC, WITH NYSTAGMUS; ATAXIA, FAMILIAL PAROXYSMAL; CEREBELLAR ATAXIA, PAROXYSMAL, ACETAZOLAMIDE-RESPONSIVE; CEREBELLOPATHY, HEREDITARY PAROXYSMAL; EPISODIC ATAXIA, NYSTAGMUS-ASSOCIATED; ACETAZOLAMIDE-RESPONSIVE HEREDITARY PAROXYSMAL CEREBELLAR ATAXIA. Identifiers: Orphanet 97, MedGen C1720416, MONDO:0007163, OMIM 108500.

Allele frequency attached by ClinVar (database versions not stated): gnomAD 0.00001 and 0.00002; gnomAD exomes 0.00006 and 0.00007; TOPMed 0.00006; ExAC 0.00007; ESP Exome Variant Server 0.00018.
gnomAD v4.1: 86 of 1,592,958 alleles (0.0054%); highest among the groups gnomAD compares: Admixed American, 0.02%; no homozygotes.

Submissions (5):

PreventionGenetics, part of Exact Sciences
Classification: Likely benign for CACNA1A-related condition. Last evaluated: 2026-07-11. Review status: criteria provided, single submitter. Criteria: ACMG Guidelines, 2015. Collection method: clinical testing. Allele origin: germline.
Comment: This variant is classified as likely benign based on ACMG/AMP sequence variant interpretation guidelines (Richards et al. 2015 PMID: 25741868, with internal and published modifications).

Women's Health and Genetics/Laboratory Corporation of America, LabCorp
Classification: Likely benign. Last evaluated: 2025-12-22. Review status: criteria provided, single submitter. Criteria: LabCorp Variant Classification Summary - May 2015. Collection method: clinical testing. Allele origin: germline.
Comment: Variant summary: CACNA1A c.2757C>T alters a non-conserved nucleotide resulting in a synonymous change. Several computational tools predict a significant impact on normal splicing: Four predict the variant creates a cryptic 5' donor site. However, these predictions have yet to be confirmed by functional studies. The variant allele was found at a frequency of 7.4e-05 in 216464 control chromosomes (gnomAD v2). This frequency is not significantly higher than estimated for disease-causing variants in CACNA1A, allowing no conclusion about variant significance. However, this varint was observed as 86 heterozygotes in the gnomAD v4 databsae. To our knowledge, no occurrence of c.2757C>T in individuals affected with CACNA1A-related conditions and no experimental evidence demonstrating its impact on protein function have been reported. ClinVar contains an entry for this variant (Variation ID: 387665). Based on the evidence outlined above, the variant was classified as likely benign.

Labcorp Genetics (formerly Invitae), Labcorp
Classification: Benign for Developmental and epileptic encephalopathy, 42; Episodic ataxia type 2. Last evaluated: 2025-04-20. Review status: criteria provided, single submitter. Criteria: Invitae Variant Classification Sherloc (09022015). Collection method: clinical testing. Allele origin: germline.

Blueprint Genetics
Classification: Likely benign. Last evaluated: 2023-04-06. Review status: criteria provided, single submitter. Criteria: ACMG Guidelines, 2015. Collection method: clinical testing. Allele origin: germline.

GeneDx
Classification: Uncertain significance. Last evaluated: 2016-07-13. Review status: criteria provided, single submitter. Criteria: GeneDx Variant Classification (06012015). Collection method: clinical testing. Allele origin: germline. Affected: yes.
Comment: A variant of uncertain significance has been identified in the CACNA1A gene. The c.2757 C>T variant has not been published as a pathogenic variant, nor has it been reported as a benign variant to our knowledge. The c.2757 C>T variant was not observed with any significant frequency in approximately 5,600 individuals of European and African American ancestry in the NHLBI Exome Sequencing Project. This substitution occurs at a position that is not conserved. Several in-silico splice prediction models predict that c.2757 C>T creates a cryptic donor site which may supplant the natural donor site in exon 19 and lead to abnormal gene splicing. However, in the absence of RNA/functional studies, the actual effect of this sequence change is unknown. Therefore, based on the currently available information, it is unclear whether this variant is a pathogenic variant or a rare benign variant.

NM_001127222.2(CACNA1A):c.2754C>T (p.Gly918=)

Gene: CACNA1A (calcium voltage-gated channel subunit alpha1 A; minus strand). Cytogenetic location: 19p13.13.
Variant type: single nucleotide variant.
Coding change: c.2754C>T on transcript NM_001127222.2 (MANE Select); coding-DNA position 2754, C replaced by T.
Protein change: p.Gly918=; no amino-acid change (glycine 918 retained).
Molecular consequence: synonymous variant.
Genome position (GRCh38, 1-based): chr19:13,298,879, G>A on the plus strand (C>T on the coding strand, the complement: CACNA1A is on the minus strand). VCF-style: chr19-13298879-G-A. GRCh37 (hg19) VCF-style: chr19-13409693-G-A.
Other names: c.2766C>T, p.Gly922= (NM_000068.4, NM_023035.3); c.2757C>T, p.Gly919= (NM_001127221.2, NM_001174080.2); c.2754C>T (NM_001127222.1).
Identifiers: ClinVar variation 387665 (VCV000387665.13), dbSNP rs371757002, ClinGen allele CA9240488.